The following is an entry in ClinVar:

ClinVar aggregate classification (germline): Uncertain significance (1 of 4 stars; one submission).

Conditions:
Heterotopia, periventricular, X-linked dominant (PVNH1). Also called: PERIVENTRICULAR NODULAR HETEROTOPIA 4; HETEROTOPIA, PERIVENTRICULAR, 1; PERIVENTRICULAR NODULAR HETEROTOPIA 1; X-linked periventricular heterotopia. Identifiers: Orphanet 2149, Orphanet 82004, MedGen C1848213, MONDO:0010233, OMIM 300049.
Oto-palato-digital syndrome, type II (OPD2). Also called: Otopalatodigital Syndrome, Type II; FACIOPALATOOSSEOUS SYNDROME; OPD II SYNDROME; Otopalatodigital Syndrome Type 2 (FLNA-OPD2). Identifiers: Orphanet 669, Orphanet 90652, MedGen C1844696, MONDO:0010571, OMIM 304120.
Melnick-Needles syndrome (MNS). Also called: MELNICK-NEEDLES OSTEODYSPLASTY; OSTEODYSPLASTY OF MELNICK AND NEEDLES; Melnick-Needles Syndrome (FLNA-MNS). Identifiers: Orphanet 2484, MedGen C0025237, MONDO:0010650, OMIM 309350.
Frontometaphyseal dysplasia (FMD1). Identifiers: Orphanet 1826, MedGen C0265293, MONDO:0015942.

gnomAD v4.1: 1 of 1,211,559 alleles (0.000083%); highest among the groups gnomAD compares: South Asian, 0.0018%; no homozygotes.

Submission:

Labcorp Genetics (formerly Invitae), Labcorp
Classification: Uncertain significance for Oto-palato-digital syndrome, type II; Heterotopia, periventricular, X-linked dominant; Frontometaphyseal dysplasia; Melnick-Needles syndrome. Last evaluated: 2025-11-01. Review status: criteria provided, single submitter. Criteria: Invitae Variant Classification Sherloc (09022015). Collection method: clinical testing. Allele origin: germline.
Comment: This sequence change replaces valine, which is neutral and non-polar, with isoleucine, which is neutral and non-polar, at codon 579 of the FLNA protein (p.Val579Ile). This variant is not present in population databases (gnomAD no frequency). This variant has not been reported in the literature in individuals affected with FLNA-related conditions. Invitae Evidence Modeling of protein sequence and biophysical properties (such as structural, functional, and spatial information, amino acid conservation, physicochemical variation, residue mobility, and thermodynamic stability) indicates that this missense variant is not expected to disrupt FLNA protein function with a negative predictive value of 95%. In summary, the available evidence is currently insufficient to determine the role of this variant in disease. Therefore, it has been classified as a Variant of Uncertain Significance.

NM_001110556.2(FLNA):c.1735G>A (p.Val579Ile)

Gene: FLNA (filamin A; minus strand). Cytogenetic location: Xq28.
Variant type: single nucleotide variant.
Coding change: c.1735G>A on transcript NM_001110556.2 (MANE Select); coding-DNA position 1735, G replaced by A.
Protein change: p.Val579Ile; replaces valine 579 with isoleucine.
Molecular consequence: missense variant.
Genome position (GRCh38, 1-based): chrX:154,364,914, C>T on the plus strand (G>A on the coding strand, the complement: FLNA is on the minus strand). VCF-style: chrX-154364914-C-T. GRCh37 (hg19) VCF-style: chrX-153593282-C-T.
Other names: c.1735G>A, p.Val579Ile (NM_001456.4); short protein forms V579I.
Identifiers: ClinVar variation 4790221 (VCV004790221.1).
Genomic context (GRCh38, chrX:154,364,914, plus strand): 5'-CCACAAAGTCTGCTGACTTGCCAACGACGCCGCCCTCCAGCCCAGGGCCCCAGGCCCGTA[C>T]CTTCTGATTGCCACACTCGGTGCCCACCTTCACTTCGAAGGGACTGCAAATGCGAGAGCC-3'
Protein context (NP_001104026.1, residues 569-589): KVGTECGNQK[Val579Ile]RAWGPGLEGG